The following is an entry in ClinVar:

NM_006231.4(POLE):c.1338G>C (p.Arg446=)

Gene: POLE (DNA polymerase epsilon, catalytic subunit; minus strand). Cytogenetic location: 12q24.33.
Variant type: single nucleotide variant.
Coding change: c.1338G>C on transcript NM_006231.4 (MANE Select); coding-DNA position 1338, G replaced by C.
Protein change: p.Arg446=; no amino-acid change (arginine 446 retained).
Molecular consequence: synonymous variant.
Genome position (GRCh38, 1-based): chr12:132,673,596, C>G on the plus strand (G>C on the coding strand, the complement: POLE is on the minus strand). VCF-style: chr12-132673596-C-G. GRCh37 (hg19) VCF-style: chr12-133250182-C-G.
Identifiers: ClinVar variation 2713864 (VCV002713864.4), dbSNP rs2042980301, ClinGen allele CA482722770.

ClinVar aggregate classification (germline): Benign/Likely benign. Review status: criteria provided, multiple submitters, no conflicts (2 of 4 stars). 2 submissions from 2 submitters: Benign (1); Likely benign (1). Last evaluated 2025-02-10.

Conditions:
Colorectal cancer, susceptibility to, 12 (CRCS12). Also called: COLORECTAL CANCER, SUSCEPTIBILITY TO, ON CHROMOSOME 12q24. Identifiers: Orphanet 220460, MedGen C3554460, MONDO:0014038, OMIM 615083.

Submissions (2):

Myriad Genetics, Inc.
Classification: Benign for Colorectal cancer, susceptibility to, 12. Last evaluated: 2025-02-10. Review status: criteria provided, single submitter. Criteria: Myriad Autosomal Dominant, Autosomal Recessive and X-Linked Classification Criteria (2023). Collection method: clinical testing. Allele origin: unknown.
Comment: This variant is considered benign. This variant is a silent/synonymous amino acid change and it is not expected to impact splicing.

Labcorp Genetics (formerly Invitae), Labcorp
Classification: Likely benign. Last evaluated: 2024-01-28. Review status: criteria provided, single submitter. Criteria: Invitae Variant Classification Sherloc (09022015). Collection method: clinical testing. Allele origin: germline.